The following is an entry in ClinVar:

NM_015634.4(KIFBP):c.990+11C>T

Gene: KIFBP (kinesin family binding protein; plus strand). Cytogenetic location: 10q22.1.
Variant type: single nucleotide variant.
Coding change: c.990+11C>T on transcript NM_015634.4 (MANE Select); 11 bases into the intron after coding-DNA position 990, C replaced by T.
Molecular consequence: intron variant.
Genome position (GRCh38, 1-based): chr10:69,011,026, C>T. VCF-style: chr10-69011026-C-T. GRCh37 (hg19) VCF-style: chr10-70770782-C-T.
Identifiers: ClinVar variation 879307 (VCV000879307.9), dbSNP rs570851893, ClinGen allele CA5529809.

ClinVar aggregate classification (germline): Benign/Likely benign. Review status: criteria provided, multiple submitters, no conflicts (2 of 4 stars). 3 submissions from 3 submitters: Benign (1); Likely benign (2). Last evaluated 2024-10-15.

Conditions:
Goldberg-Shprintzen syndrome. Identifiers: Orphanet 66629, MedGen C1836123, MONDO:0012280, OMIM 609460.

Allele frequency attached by ClinVar (database versions not stated): gnomAD 0.00003 and 0.00010; TOPMed 0.00005; gnomAD exomes 0.00026 and 0.00043; ExAC 0.00051; 1000 Genomes Project 30x 0.00062; 1000 Genomes Project 0.00080.
gnomAD v4.1: 389 of 1,575,608 alleles (0.025%); highest among the groups gnomAD compares: South Asian, 0.37%; 3 homozygotes.

Submissions (3):

Blueprint Genetics
Classification: Likely benign. Last evaluated: 2024-10-15. Review status: criteria provided, single submitter. Criteria: ACMG Guidelines, 2015. Collection method: clinical testing. Allele origin: germline.

Labcorp Genetics (formerly Invitae), Labcorp
Classification: Benign. Last evaluated: 2023-11-15. Review status: criteria provided, single submitter. Criteria: Invitae Variant Classification Sherloc (09022015). Collection method: clinical testing. Allele origin: germline.

Illumina Laboratory Services, Illumina
Classification: Likely benign for Goldberg-Shprintzen syndrome. Last evaluated: 2018-01-13. Review status: criteria provided, single submitter. Criteria: ICSL Variant Classification Criteria 13 December 2019. Collection method: clinical testing. Allele origin: germline.
Comment: This variant was observed in the ICSL laboratory as part of a predisposition screen in an ostensibly healthy population. It had not been previously curated by ICSL or reported in the Human Gene Mutation Database (HGMD: prior to June 1st, 2018), and was therefore a candidate for classification through an automated scoring system. Utilizing variant allele frequency, disease prevalence and penetrance estimates, and inheritance mode, an automated score was calculated to assess if this variant is too frequent to cause the disease. Based on the score and internal cut-off values, a variant classified as likely benign is not then subjected to further curation. The score for this variant resulted in a classification of likely benign for this disease.